The following is an entry in ClinVar:

NM_000069.3(CACNA1S):c.2956C>T (p.Arg986Cys)

Gene: CACNA1S (calcium voltage-gated channel subunit alpha1 S; minus strand). Cytogenetic location: 1q32.1.
Variant type: single nucleotide variant.
Coding change: c.2956C>T on transcript NM_000069.3 (MANE Select); coding-DNA position 2956, C replaced by T.
Protein change: p.Arg986Cys; replaces arginine 986 with cysteine.
Molecular consequence: missense variant.
Genome position (GRCh38, 1-based): chr1:201,062,041, G>A on the plus strand (C>T on the coding strand, the complement: CACNA1S is on the minus strand). VCF-style: chr1-201062041-G-A. GRCh37 (hg19) VCF-style: chr1-201031169-G-A.
Other names: short protein forms R986C.
Identifiers: ClinVar variation 1059555 (VCV001059555.11), dbSNP rs770099347, ClinGen allele CA079446.

ClinVar aggregate classification (germline): Conflicting classifications of pathogenicity. Review status: criteria provided, conflicting classifications (1 of 4 stars). 4 submissions from 4 submitters: Uncertain significance (3); Likely benign (1). Last evaluated 2025-01-27.

Conditions:
Hypokalemic periodic paralysis, type 1. Also called: Hypokalemic Periodic Paralysis Type 1 (AD); HypoPP. Identifiers: Orphanet 681, MedGen C3714580, MONDO:0042979, OMIM 170400.
Malignant hyperthermia, susceptibility to, 5 (MHS5). Also called: CACNA1S-Related Malignant Hyperthermia Susceptibility. Identifiers: Orphanet 423, MedGen C1866077, MONDO:0011163, OMIM 601887.

Allele frequency attached by ClinVar (database versions not stated): gnomAD 0.00003; TOPMed 0.00003.

Submissions (4):

Labcorp Genetics (formerly Invitae), Labcorp
Classification: Likely benign for Hypokalemic periodic paralysis, type 1; Malignant hyperthermia, susceptibility to, 5. Last evaluated: 2025-01-27. Review status: criteria provided, single submitter. Criteria: Invitae Variant Classification Sherloc (09022015). Collection method: clinical testing. Allele origin: germline.

All of Us Research Program, National Institutes of Health
Classification: Uncertain significance for Malignant hyperthermia, susceptibility to, 5. Last evaluated: 2024-07-29. Review status: criteria provided, single submitter. Criteria: ACMG Guidelines, 2015. Collection method: clinical testing. Allele origin: germline. Inheritance: Autosomal dominant inheritance. Observed: 6 variant alleles, 6 heterozygotes.
Comment: This missense variant replaces arginine with cysteine at codon 986 of the CACNA1S protein. Computational prediction suggests that this variant may not impact protein structure and function (internally defined REVEL score threshold <= 0.5, PMID: 27666373). To our knowledge, functional studies have not been reported for this variant. This variant has not been reported in individuals affected with CACNA1S-related disorders in the literature. This variant has been identified in 6/282416 chromosomes in the general population by the Genome Aggregation Database (gnomAD). The available evidence is insufficient to determine the role of this variant in disease conclusively. Therefore, this variant is classified as a Variant of Uncertain Significance.

This study involves interpretation of variants in research participants for the purpose of population health screening. Participant phenotype was not available at the time of variant classification. Additional details can be found in publication PMID: 35346344, PMCID: PMC8962531

Color Diagnostics, LLC DBA Color Health
Classification: Uncertain significance for Malignant hyperthermia, susceptibility to, 5. Last evaluated: 2024-03-06. Review status: criteria provided, single submitter. Criteria: ACMG Guidelines, 2015. Collection method: clinical testing. Allele origin: germline.
Comment: This missense variant replaces arginine with cysteine at codon 986 of the CACNA1S protein. Computational prediction suggests that this variant may not impact protein structure and function. To our knowledge, functional studies have not been reported for this variant. This variant has not been reported in individuals affected with CACNA1S-related disorders in the literature. This variant has been identified in 6/282416 chromosomes in the general population by the Genome Aggregation Database (gnomAD). The available evidence is insufficient to determine the role of this variant in disease conclusively. Therefore, this variant is classified as a Variant of Uncertain Significance.

Revvity Omics, Revvity
Classification: Uncertain significance. Last evaluated: 2024-02-21. Review status: criteria provided, single submitter. Criteria: ACMG Guidelines, 2015. Collection method: clinical testing. Allele origin: germline.